The following is an entry in ClinVar:

NM_133259.4(LRPPRC):c.1922A>T (p.Asp641Val)

Gene: LRPPRC (leucine rich pentatricopeptide repeat containing; minus strand). Cytogenetic location: 2p21.
Variant type: single nucleotide variant.
Coding change: c.1922A>T on transcript NM_133259.4 (MANE Select); coding-DNA position 1922, A replaced by T.
Protein change: p.Asp641Val; replaces aspartic acid 641 with valine.
Molecular consequence: missense variant.
Genome position (GRCh38, 1-based): chr2:43,947,774, T>A on the plus strand (A>T on the coding strand, the complement: LRPPRC is on the minus strand). VCF-style: chr2-43947774-T-A. GRCh37 (hg19) VCF-style: chr2-44174913-T-A.
Other names: short protein forms D641V.
Identifiers: ClinVar variation 2077224 (VCV002077224.2), dbSNP rs757903670, ClinGen allele CA1638663.

ClinVar aggregate classification (germline): Uncertain significance. Review status: criteria provided, multiple submitters, no conflicts (2 of 4 stars). 2 submissions from 2 submitters: Uncertain significance (2). Last evaluated 2024-10-08.

Allele frequency attached by ClinVar (database versions not stated): ExAC 0.00001; TOPMed 0.00001; gnomAD 0.00004.
gnomAD v4.1: 26 of 1,586,112 alleles (0.0016%); highest among the groups gnomAD compares: Admixed American, 0.01%; no homozygotes.

Submissions (2):

Blueprint Genetics
Classification: Uncertain significance. Last evaluated: 2024-10-08. Review status: criteria provided, single submitter. Criteria: ACMG Guidelines, 2015. Collection method: clinical testing. Allele origin: germline.

Labcorp Genetics (formerly Invitae), Labcorp
Classification: Uncertain significance. Last evaluated: 2022-05-24. Review status: criteria provided, single submitter. Criteria: Invitae Variant Classification Sherloc (09022015). Collection method: clinical testing. Allele origin: germline.
Comment: This sequence change replaces aspartic acid, which is acidic and polar, with valine, which is neutral and non-polar, at codon 641 of the LRPPRC protein (p.Asp641Val). This variant is present in population databases (rs757903670, gnomAD 0.006%). This variant has not been reported in the literature in individuals affected with LRPPRC-related conditions. Algorithms developed to predict the effect of missense changes on protein structure and function (SIFT, PolyPhen-2, Align-GVGD) all suggest that this variant is likely to be tolerated. In summary, the available evidence is currently insufficient to determine the role of this variant in disease. Therefore, it has been classified as a Variant of Uncertain Significance.